The following is an entry in ClinVar:

NM_000038.6(APC):c.136-2230A>T

Gene: APC (APC regulator of WNT signaling pathway; plus strand). Cytogenetic location: 5q22.2.
Variant type: single nucleotide variant.
Coding change: c.136-2230A>T on transcript NM_000038.6 (MANE Select); 2230 bases into the intron before coding-DNA position 136, A replaced by T.
Molecular consequence: intron variant.
Genome position (GRCh38, 1-based): chr5:112,764,096, A>T. VCF-style: chr5-112764096-A-T. GRCh37 (hg19) VCF-style: chr5-112099793-A-T.
Other names: c.136-2230A>T (NM_001354895.2, NM_001127510.3, NM_001354896.2 and 2 more transcripts); c.166-2230A>T (NM_001354897.2, NM_001354902.2, NM_001127511.3); c.61-2230A>T (NM_001354898.2, NM_001354904.2); c.-900-2230A>T (NM_001354906.2); c.-42-2230A>T (NM_001354900.2, NM_001354901.2, NM_001354905.2).
Identifiers: ClinVar variation 82857 (VCV000082857.2), dbSNP rs79492842, ClinGen allele CA004564.

ClinVar aggregate classification (germline): other (0 of 4 stars; one submission).

Conditions:
Familial colorectal cancer. Identifiers: MedGen CN280943, MONDO:0023113. Disease mechanism: loss of function.

Submission:

Systems Biology Platform Zhejiang California International NanoSystems Institute
Classification: other for Familial colorectal cancer. Review status: no assertion criteria provided. Collection method: not provided. Allele origin: unknown.
ClinVar note: Converted during submission from cancer to other.